The following is an entry in ClinVar:

NM_015080.4(NRXN2):c.4392C>T (p.Pro1464=)

Gene: NRXN2 (neurexin 2; minus strand). Cytogenetic location: 11q13.1.
Variant type: single nucleotide variant.
Coding change: c.4392C>T on transcript NM_015080.4 (MANE Select); coding-DNA position 4392, C replaced by T.
Protein change: p.Pro1464=; no amino-acid change (proline 1464 retained).
Molecular consequence: synonymous variant. On other transcripts: intron variant (7).
Genome position (GRCh38, 1-based): chr11:64,607,943, G>A on the plus strand (C>T on the coding strand, the complement: NRXN2 is on the minus strand). VCF-style: chr11-64607943-G-A. GRCh37 (hg19) VCF-style: chr11-64375415-G-A.
Other names: c.4182C>T, p.Pro1394= (NM_138732.3); c.1254C>T, p.Pro418= (NM_138734.3); c.4229-443C>T (NM_001376266.1); c.4208-443C>T (NM_001376265.1); c.4142-443C>T (NM_001376267.1); c.4232-443C>T (NM_001376263.1); c.4253-443C>T (NM_001376262.1); c.788-443C>T (NM_001400682.1); and 1 more.
Identifiers: ClinVar variation 4874755 (VCV004874755.2).

ClinVar aggregate classification (germline): Likely benign (1 of 4 stars; one submission).

Submission:

CeGaT Center for Human Genetics Tuebingen
Classification: Likely benign. Last evaluated: 2026-04-01. Review status: criteria provided, single submitter. Criteria: CeGaT Center For Human Genetics Tuebingen Variant Classification Criteria Version 2. Collection method: clinical testing. Allele origin: germline. Affected: yes. Observed: 1 variant allele.
Comment: NRXN2: PM2:Supporting, BP4, BP7